The following is an entry in ClinVar:

NM_015346.4(ZFYVE26):c.2755+284A>C

Gene: ZFYVE26 (zinc finger FYVE-type containing 26; minus strand). Cytogenetic location: 14q24.1.
Variant type: single nucleotide variant.
Coding change: c.2755+284A>C on transcript NM_015346.4 (MANE Select); 284 bases into the intron after coding-DNA position 2755, A replaced by C.
Molecular consequence: intron variant.
Genome position (GRCh38, 1-based): chr14:67,790,288, T>G on the plus strand (A>C on the coding strand, the complement: ZFYVE26 is on the minus strand). VCF-style: chr14-67790288-T-G. GRCh37 (hg19) VCF-style: chr14-68257005-T-G.
Identifiers: ClinVar variation 667591 (VCV000667591.1), dbSNP rs7143559, ClinGen allele CA262859958.
Genomic context (GRCh38, chr14:67,790,288, plus strand): 5'-CCCTGAGTAATTACATGGGAAGGAAATAAACTCCTAACCATTTCCTGAAGCCAGAGACAG[T>G]GGCCATCAAAACACAGGTTAAAAACAGCATTCACAGGCTTCATTTAAATCACACAGGATA-3'

ClinVar aggregate classification (germline): Benign (1 of 4 stars; one submission).

Allele frequency attached by ClinVar (database versions not stated): 1000 Genomes Project 30x 0.03513; 1000 Genomes Project 0.03514; TOPMed 0.06766; gnomAD 0.07624 and 0.07841.
gnomAD v4.1: 11,579 of 152,276 alleles (7.6%); highest among the groups gnomAD compares: Non-Finnish European, 12%; 651 homozygotes.

Submission:

GeneDx
Classification: Benign. Last evaluated: 2018-06-16. Review status: criteria provided, single submitter. Criteria: GeneDx Variant Classification (06012015). Collection method: clinical testing. Allele origin: germline. Affected: yes.
Comment: This variant is considered likely benign or benign based on one or more of the following criteria: it is a conservative change, it occurs at a poorly conserved position in the protein, it is predicted to be benign by multiple in silico algorithms, and/or has population frequency not consistent with disease.